The following is an entry in ClinVar:

ClinVar aggregate classification (germline): Uncertain significance. Review status: criteria provided, multiple submitters, no conflicts (2 of 4 stars). 2 submissions from 2 submitters: Uncertain significance (2). Last evaluated 2024-01-19.

Conditions:
WDFY4-related disorder. Also called: WDFY4-related condition.

Allele frequency attached by ClinVar (database versions not stated): TOPMed 0.00004.
gnomAD v4.1: 2 of 1,551,216 alleles (0.00013%); highest among the groups gnomAD compares: Admixed American, 0.0039%; no homozygotes.

Submissions (2):

Ambry Genetics
Classification: Uncertain significance. Last evaluated: 2024-01-19. Review status: criteria provided, single submitter. Criteria: Ambry Variant Classification Scheme 2023. Collection method: clinical testing. Allele origin: germline.

PreventionGenetics, part of Exact Sciences
Classification: Uncertain significance for WDFY4-related condition. Last evaluated: 2023-07-22. Review status: criteria provided, single submitter. Criteria: ACMG Guidelines, 2015. Collection method: clinical testing. Allele origin: germline.
Comment: The WDFY4 c.5479G>C variant is predicted to result in the amino acid substitution p.Ala1827Pro. To our knowledge, this variant has not been reported in the literature or in a large population database, indicating this variant is rare. At this time, the clinical significance of this variant is uncertain due to the absence of conclusive functional and genetic evidence.

NM_001394531.1(WDFY4):c.5479G>C (p.Ala1827Pro)

Gene: WDFY4 (WDFY family member 4; plus strand). Cytogenetic location: 10q11.23.
Variant type: single nucleotide variant.
Coding change: c.5479G>C on transcript NM_001394531.1 (MANE Select); coding-DNA position 5479, G replaced by C.
Protein change: p.Ala1827Pro; replaces alanine 1827 with proline.
Molecular consequence: missense variant.
Genome position (GRCh38, 1-based): chr10:48,817,383, G>C. VCF-style: chr10-48817383-G-C. GRCh37 (hg19) VCF-style: chr10-50025428-G-C.
Other names: c.5479G>C, p.Ala1827Pro (NM_020945.2); short protein forms A1827P.
Identifiers: ClinVar variation 2631714 (VCV002631714.2), dbSNP rs1028953288, ClinGen allele CA206509951.
Genomic context (GRCh38, chr10:48,817,383, plus strand): 5'-CGCACCTACCCCCAGGACCCAGCGTGGCGAGCCCCGGAGTTCCTCCAGACCTTGGCCATA[G>C]CCGCCTTCCCCCTGGGAGCCCAAAAGGTAGGACATGCTGCTGTCCCACCCAGAGAGAGCA-3'
Protein context (NP_001381460.1, residues 1817-1837): APEFLQTLAI[Ala1827Pro]AFPLGAQKGV